The following is an entry in ClinVar:

ClinVar aggregate classification (germline): Uncertain significance (1 of 4 stars; one submission).

Allele frequency attached by ClinVar (database versions not stated): gnomAD 0.00001; gnomAD exomes 0.00001; TOPMed 0.00001.
gnomAD v4.1: 5 of 1,602,516 alleles (0.00031%); highest among the groups gnomAD compares: Admixed American, 0.0017%; no homozygotes.

Submission:

Labcorp Genetics (formerly Invitae), Labcorp
Classification: Uncertain significance. Last evaluated: 2021-04-28. Review status: criteria provided, single submitter. Criteria: Invitae Variant Classification Sherloc (09022015). Collection method: clinical testing. Allele origin: germline.
Comment: In summary, the available evidence is currently insufficient to determine the role of this variant in disease. Therefore, it has been classified as a Variant of Uncertain Significance. Algorithms developed to predict the effect of missense changes on protein structure and function (SIFT, PolyPhen-2, Align-GVGD) all suggest that this variant is likely to be tolerated, but these predictions have not been confirmed by published functional studies and their clinical significance is uncertain. This variant has not been reported in the literature in individuals with SBF1-related conditions. This variant is not present in population databases (ExAC no frequency). This sequence change replaces proline with leucine at codon 1644 of the SBF1 protein (p.Pro1644Leu). The proline residue is weakly conserved and there is a moderate physicochemical difference between proline and leucine.

NM_002972.4(SBF1):c.4931C>T (p.Pro1644Leu)

Gene: SBF1 (SET binding factor 1; minus strand). Cytogenetic location: 22q13.33.
Variant type: single nucleotide variant.
Coding change: c.4931C>T on transcript NM_002972.4 (MANE Select); coding-DNA position 4931, C replaced by T.
Protein change: p.Pro1644Leu; replaces proline 1644 with leucine.
Molecular consequence: missense variant.
Genome position (GRCh38, 1-based): chr22:50,454,624, G>A on the plus strand (C>T on the coding strand, the complement: SBF1 is on the minus strand). VCF-style: chr22-50454624-G-A. GRCh37 (hg19) VCF-style: chr22-50893053-G-A.
Other names: c.4856C>T, p.Pro1619Leu (NM_001365819.1); short protein forms P1619L, P1644L.
Identifiers: ClinVar variation 1505044 (VCV001505044.8), dbSNP rs1481163594, ClinGen allele CA412191933.